The following is an entry in ClinVar:

NM_001184.4(ATR):c.6397T>A (p.Leu2133Ile)

Gene: ATR (ATR checkpoint kinase; minus strand). Cytogenetic location: 3q23.
Variant type: single nucleotide variant.
Coding change: c.6397T>A on transcript NM_001184.4 (MANE Select); coding-DNA position 6397, T replaced by A.
Protein change: p.Leu2133Ile; replaces leucine 2133 with isoleucine.
Molecular consequence: missense variant.
Genome position (GRCh38, 1-based): chr3:142,469,492, A>T on the plus strand (T>A on the coding strand, the complement: ATR is on the minus strand). VCF-style: chr3-142469492-A-T. GRCh37 (hg19) VCF-style: chr3-142188334-A-T.
Other names: c.6205T>A, p.Leu2069Ile (NM_001354579.2); short protein forms L2069I, L2133I.
Identifiers: ClinVar variation 2587580 (VCV002587580.2), dbSNP rs2108279326, ClinGen allele CA354805044.
Genomic context (GRCh38, chr3:142,469,492, plus strand): 5'-GAGAATGACAAATTCGAGAGATCAATTGTGAAAAAGCAGTCAAAAATTGATATGGAGCTA[A>T]ATAGTTTGTATGCTCTGTGATAACCTTGTTTATTTTACCCAAATCATTCCTCATTTGTAC-3'
Protein context (NP_001175.2, residues 2123-2143): NKVITEHTNY[Leu2133Ile]APYQFLTAFS

ClinVar aggregate classification (germline): Uncertain significance (1 of 4 stars; one submission).

Conditions:
Inborn genetic diseases. Identifiers: MedGen C0950123, MeSH D030342.

Submission:

Ambry Genetics
Classification: Uncertain significance for Inborn genetic diseases. Last evaluated: 2023-07-31. Review status: criteria provided, single submitter. Criteria: Ambry Variant Classification Scheme 2023. Collection method: clinical testing. Allele origin: germline.
Comment: The p.L2133I variant (also known as c.6397T>A), located in coding exon 38 of the ATR gene, results from a T to A substitution at nucleotide position 6397. The leucine at codon 2133 is replaced by isoleucine, an amino acid with highly similar properties. This amino acid position is conserved. In addition, this alteration is predicted to be tolerated by in silico analysis. Since supporting evidence is limited at this time, the clinical significance of this alteration remains unclear.